The following is an entry in ClinVar:

ClinVar aggregate classification (germline): Uncertain significance (1 of 4 stars; one submission).

gnomAD v4.1: 3 of 1,585,298 alleles (0.00019%); highest among the groups gnomAD compares: African/African-American, 0.0014%; no homozygotes.

Submission:

GeneDx
Classification: Uncertain significance. Last evaluated: 2024-08-25. Review status: criteria provided, single submitter. Criteria: GeneDx Variant Classification Process June 2021. Collection method: clinical testing. Allele origin: germline. Affected: yes.
Comment: In silico analysis supports that this missense variant has a deleterious effect on protein structure/function; Has not been previously published as pathogenic or benign to our knowledge

NM_015705.6(SGSM3):c.538G>C (p.Gly180Arg)

Gene: SGSM3 (small G protein signaling modulator 3; plus strand). Cytogenetic location: 22q13.1.
Variant type: single nucleotide variant.
Coding change: c.538G>C on transcript NM_015705.6 (MANE Select); coding-DNA position 538, G replaced by C.
Protein change: p.Gly180Arg; replaces glycine 180 with arginine.
Molecular consequence: missense variant. On other transcripts: non-coding transcript variant (4).
Genome position (GRCh38, 1-based): chr22:40,405,204, G>C. VCF-style: chr22-40405204-G-C. GRCh37 (hg19) VCF-style: chr22-40801208-G-C.
Other names: c.349G>C, p.Gly117Arg (NM_001301849.2, NM_001350042.2, NM_001350044.2 and 1 more transcripts); c.538G>C, p.Gly180Arg (NM_001350039.2, NM_001350040.2, NM_001350041.2); c.337G>C, p.Gly113Arg (NM_001350043.2, NM_001350046.2, NM_001350047.2); c.40G>C, p.Gly14Arg (NM_001350048.2); short protein forms G113R, G117R, G14R, G180R.
Identifiers: ClinVar variation 3766254 (VCV003766254.1).